The following is an entry in ClinVar:

NM_007294.4(BRCA1):c.4292C>T (p.Ser1431Phe)

Gene: BRCA1 (BRCA1 DNA repair associated; minus strand). Cytogenetic location: 17q21.31.
Variant type: single nucleotide variant.
Coding change: c.4292C>T on transcript NM_007294.4 (MANE Select); coding-DNA position 4292, C replaced by T.
Protein change: p.Ser1431Phe; replaces serine 1431 with phenylalanine.
Molecular consequence: missense variant. On other transcripts: non-coding transcript variant (1).
Genome position (GRCh38, 1-based): chr17:43,082,469, G>A on the plus strand (C>T on the coding strand, the complement: BRCA1 is on the minus strand). VCF-style: chr17-43082469-G-A. GRCh37 (hg19) VCF-style: chr17-41234486-G-A.
Other names: c.4079C>T, p.Ser1360Phe (NM_001407571.1, NM_001407853.1, NM_001407894.1 and 12 more transcripts); c.4292C>T, p.Ser1431Phe (NM_001407581.1, NM_001407582.1, NM_001407583.1 and 23 more transcripts); c.4289C>T, p.Ser1430Phe (NM_001407587.1, NM_001407590.1, NM_001407591.1 and 21 more transcripts); c.4286C>T, p.Ser1429Phe (NM_001407627.1, NM_001407644.1, NM_001407645.1 and 5 more transcripts); c.4280C>T, p.Ser1427Phe (NM_001407646.1, NM_001407647.1); c.4208C>T, p.Ser1403Phe (NM_001407660.1, NM_001407659.1); c.4211C>T, p.Ser1404Phe (NM_001407661.1, NM_001407662.1, NM_001407663.1 and 1 more transcripts); c.4169C>T, p.Ser1390Phe (NM_001407664.1, NM_001407665.1, NM_001407666.1 and 13 more transcripts); and 51 more; short protein forms S1431F, S1384F, S328F, S1262F, S1341F, S1343F, S1361F, S1382F.
Identifiers: ClinVar variation 462643 (VCV000462643.19), dbSNP rs748839289, ClinGen allele CA059831.

ClinVar aggregate classification (germline): Uncertain significance. Review status: criteria provided, multiple submitters, no conflicts (2 of 4 stars). 4 submissions from 4 submitters: Uncertain significance (4). Last evaluated 2025-01-17.

Conditions:
Hereditary breast ovarian cancer syndrome. Also called: Hereditary breast and ovarian cancer syndrome (HBOC); BRCA1- and BRCA2-Associated Hereditary Breast and Ovarian Cancer; Hereditary breast and/or ovarian cancer syndrome; Hereditary breast and ovarian cancer syndrome; Hereditary breast and ovarian cancer; Breast and ovarian cancer. Identifiers: Orphanet 145, MedGen C0677776, MeSH D061325, MONDO:0003582. Disease mechanism: loss of function.
Hereditary cancer-predisposing syndrome. Also called: Neoplastic Syndromes, Hereditary; Hereditary neoplastic syndrome; Tumor predisposition; Hereditary Cancer Syndrome. Identifiers: Orphanet 140162, MedGen C0027672, MeSH D009386, MONDO:0015356.
Breast-ovarian cancer, familial, susceptibility to, 1 (BROVCA1). Also called: BRCA1 Hereditary Breast and Ovarian Cancer; OVARIAN CANCER, SUSCEPTIBILITY TO. Identifiers: Orphanet 145, MedGen C2676676, MONDO:0011450, OMIM 604370. Disease mechanism: loss of function.

Allele frequency attached by ClinVar (database versions not stated): gnomAD exomes below 0.00001; ExAC 0.00001.
gnomAD v4.1: 2 of 1,614,148 alleles (0.00012%); highest among the groups gnomAD compares: South Asian, 0.0011%; no homozygotes.

Submissions (4):

Ambry Genetics
Classification: Uncertain significance for Hereditary cancer-predisposing syndrome. Last evaluated: 2025-01-17. Review status: criteria provided, single submitter. Criteria: Ambry Variant Classification Scheme 2023. Collection method: clinical testing. Allele origin: germline.
Comment: The p.S1431F variant (also known as c.4292C>T), located in coding exon 11 of the BRCA1 gene, results from a C to T substitution at nucleotide position 4292. The serine at codon 1431 is replaced by phenylalanine, an amino acid with highly dissimilar properties. This variant was not reported in population based cohorts in the following databases: Database of Single Nucleotide Polymorphisms (dbSNP), NHLBI Exome Sequencing Project (ESP), and 1000 Genomes Project. In the ESP, this variant was not observed in 6503 samples (13006 alleles) with coverage at this position. To date, this alteration has been detected with an allele frequency of approximately 0.0004% (greater than 225000 alleles tested) in our clinical cohort. This amino acid position is well conserved in available vertebrate species. In addition, the in silico prediction for this alteration is inconclusive. Since supporting evidence is limited at this time, the clinical significance of this alteration remains unclear.

Baylor Genetics
Classification: Uncertain significance for Breast-ovarian cancer, familial, susceptibility to, 1. Last evaluated: 2024-01-23. Review status: criteria provided, single submitter. Criteria: ACMG Guidelines, 2015. Collection method: clinical testing. Allele origin: unknown.

Labcorp Genetics (formerly Invitae), Labcorp
Classification: Uncertain significance for Hereditary breast ovarian cancer syndrome. Last evaluated: 2022-12-03. Review status: criteria provided, single submitter. Criteria: Invitae Variant Classification Sherloc (09022015). Collection method: clinical testing. Allele origin: germline.
Comment: ClinVar contains an entry for this variant (Variation ID: 462643). This variant has not been reported in the literature in individuals affected with BRCA1-related conditions. This variant is present in population databases (rs748839289, gnomAD 0.003%). This sequence change replaces serine, which is neutral and polar, with phenylalanine, which is neutral and non-polar, at codon 1431 of the BRCA1 protein (p.Ser1431Phe). In summary, the available evidence is currently insufficient to determine the role of this variant in disease. Therefore, it has been classified as a Variant of Uncertain Significance. Advanced modeling of protein sequence and biophysical properties (such as structural, functional, and spatial information, amino acid conservation, physicochemical variation, residue mobility, and thermodynamic stability) performed at Invitae indicates that this missense variant is not expected to disrupt BRCA1 protein function.

Color Diagnostics, LLC DBA Color Health
Classification: Uncertain significance for Hereditary cancer-predisposing syndrome. Last evaluated: 2019-12-16. Review status: criteria provided, single submitter. Criteria: ACMG Guidelines, 2015. Collection method: clinical testing. Allele origin: germline.
Comment: This missense variant replaces serine with phenylalanine at codon 1431 of the BRCA1 protein. Computational prediction suggests that this variant may not impact protein structure and function (internally defined REVEL score threshold <= 0.5, PMID: 27666373). Splice site prediction tools suggest that this variant may not impact RNA splicing. To our knowledge, functional studies have not been performed for this variant. This variant has not been reported in individuals affected with hereditary cancer in the literature. This variant has been identified in 1/251426 chromosomes in the general population by the Genome Aggregation Database (gnomAD). The available evidence is insufficient to determine the role of this variant in disease conclusively. Therefore, this variant is classified as a Variant of Uncertain Significance.